The following is an entry in ClinVar:

ClinVar aggregate classification (germline): Benign (0 of 4 stars; one submission).

Conditions:
CBLB-related disorder. Also called: CBLB-related condition.

Allele frequency attached by ClinVar (database versions not stated): ESP Exome Variant Server 0.20844; 1000 Genomes Project 0.21106; 1000 Genomes Project 30x 0.21159; gnomAD exomes 0.21485; ExAC 0.21906; gnomAD 0.22083; TOPMed 0.22104.
gnomAD v4.1: 346,503 of 1,609,800 alleles (22%); highest among the groups gnomAD compares: Admixed American, 30%; 38,491 homozygotes.

Submission:

PreventionGenetics, part of Exact Sciences
Classification: Benign for CBLB-related condition. Last evaluated: 2019-11-06. Review status: no assertion criteria provided. Collection method: clinical testing. Allele origin: germline.
Comment: This variant is classified as benign based on ACMG/AMP sequence variant interpretation guidelines (Richards et al. 2015 PMID: 25741868, with internal and published modifications).

NM_170662.5(CBLB):c.2613T>C (p.Pro871=)

Gene: CBLB (Cbl proto-oncogene B; minus strand). Cytogenetic location: 3q13.11.
Variant type: single nucleotide variant.
Coding change: c.2613T>C on transcript NM_170662.5 (MANE Select); coding-DNA position 2613, T replaced by C.
Protein change: p.Pro871=; no amino-acid change (proline 871 retained).
Molecular consequence: synonymous variant. On other transcripts: non-coding transcript variant (7).
Genome position (GRCh38, 1-based): chr3:105,670,309, A>G on the plus strand (T>C on the coding strand, the complement: CBLB is on the minus strand). VCF-style: chr3-105670309-A-G. GRCh37 (hg19) VCF-style: chr3-105389153-A-G.
Other names: c.2697T>C, p.Pro899= (NM_001321786.1); c.2613T>C, p.Pro871= (NM_001321788.2); c.2550T>C, p.Pro850= (NM_001321789.1); c.2547T>C, p.Pro849= (NM_001321790.2); c.2481T>C, p.Pro827= (NM_001321791.2, NM_001321793.2); c.2466T>C, p.Pro822= (NM_001321794.2, NM_001321795.2, NM_001321796.2); c.2334T>C, p.Pro778= (NM_001321797.2, NM_001321798.2, NM_001321799.2); c.1833T>C, p.Pro611= (NM_001321806.2, NM_001321807.2); and 5 more.
Identifiers: ClinVar variation 3056926 (VCV003056926.2), dbSNP rs11713094, ClinGen allele CA2524405.